The following is an entry in ClinVar:

NM_021120.4(DLG3):c.2390T>C (p.Ile797Thr)

Gene: DLG3 (discs large MAGUK scaffold protein 3; plus strand). Cytogenetic location: Xq13.1.
Variant type: single nucleotide variant.
Coding change: c.2390T>C on transcript NM_021120.4 (MANE Select); coding-DNA position 2390, T replaced by C.
Protein change: p.Ile797Thr; replaces isoleucine 797 with threonine.
Molecular consequence: missense variant.
Genome position (GRCh38, 1-based): chrX:70,502,205, T>C. VCF-style: chrX-70502205-T-C. GRCh37 (hg19) VCF-style: chrX-69722055-T-C.
Other names: c.1037T>C, p.Ile346Thr (NM_001166278.2); c.1475T>C, p.Ile492Thr (NM_020730.3); short protein forms I346T, I492T, I797T.
Identifiers: ClinVar variation 2444768 (VCV002444768.1), dbSNP rs2519900921, ClinGen allele CA413461666.
Genomic context (GRCh38, chrX:70,502,205, plus strand): 5'-TTTTCCTCTTCACTTTAGCCATTGTACAGGGTGACTCACTGGAAGAGATTTATAACAAAA[T>C]CAAACAAATCATTGAGGACCAGTCTGGGCACTACATTTGGGTCCCATCCCCTGAAAAACT-3'
Protein context (NP_066943.2, residues 787-807): GDSLEEIYNK[Ile797Thr]KQIIEDQSGH

ClinVar aggregate classification (germline): Uncertain significance (1 of 4 stars; one submission).

Allele frequency attached by ClinVar (database versions not stated): gnomAD exomes below 0.00001.
gnomAD v4.1: 1 of 1,209,893 alleles (0.000083%); highest among the groups gnomAD compares: African/African-American, 0.0017%; no homozygotes.

Submission:

GeneDx
Classification: Uncertain significance. Last evaluated: 2022-09-16. Review status: criteria provided, single submitter. Criteria: GeneDx Variant Classification Process June 2021. Collection method: clinical testing. Allele origin: germline. Affected: yes.
Comment: Not observed at significant frequency in large population cohorts (gnomAD); In silico analysis supports that this missense variant has a deleterious effect on protein structure/function; Has not been previously published as pathogenic or benign to our knowledge